The following is an entry in ClinVar:

ClinVar aggregate classification (germline): Uncertain significance. Review status: criteria provided, multiple submitters, no conflicts (2 of 4 stars). 2 submissions from 2 submitters: Uncertain significance (2). Last evaluated 2025-05-26.

Conditions:
Inborn genetic diseases. Identifiers: MedGen C0950123, MeSH D030342.

Allele frequency attached by ClinVar (database versions not stated): TOPMed below 0.00001; gnomAD 0.00001.
gnomAD v4.1: 2 of 1,613,982 alleles (0.00012%); highest among the groups gnomAD compares: Non-Finnish European, 0.00017%; no homozygotes.

Submissions (2):

Ambry Genetics
Classification: Uncertain significance for Inborn genetic diseases. Last evaluated: 2025-05-26. Review status: criteria provided, single submitter. Criteria: Ambry Variant Classification Scheme 2023. Collection method: clinical testing. Allele origin: germline.

Labcorp Genetics (formerly Invitae), Labcorp
Classification: Uncertain significance. Last evaluated: 2022-11-28. Review status: criteria provided, single submitter. Criteria: Invitae Variant Classification Sherloc (09022015). Collection method: clinical testing. Allele origin: germline.
Comment: This sequence change replaces serine, which is neutral and polar, with threonine, which is neutral and polar, at codon 228 of the FZD4 protein (p.Ser228Thr). This variant is present in population databases (no rsID available, gnomAD 0.0009%). This variant has not been reported in the literature in individuals affected with FZD4-related conditions. Advanced modeling of protein sequence and biophysical properties (such as structural, functional, and spatial information, amino acid conservation, physicochemical variation, residue mobility, and thermodynamic stability) performed at Invitae indicates that this missense variant is not expected to disrupt FZD4 protein function. In summary, the available evidence is currently insufficient to determine the role of this variant in disease. Therefore, it has been classified as a Variant of Uncertain Significance.

NM_012193.4(FZD4):c.683G>C (p.Ser228Thr)

Genes: FZD4 (frizzled class receptor 4; minus strand), PRSS23 (serine protease 23; plus strand). Cytogenetic location: 11q14.2.
Variant type: single nucleotide variant.
Coding change: c.683G>C on transcript NM_012193.4 (MANE Select); coding-DNA position 683, G replaced by C.
Protein change: p.Ser228Thr; replaces serine 228 with threonine.
Molecular consequence: missense variant. On other transcripts: non-coding transcript variant (2).
Genome position (GRCh38, 1-based): chr11:86,952,073, C>G on the plus strand (G>C on the coding strand, the complement: FZD4 is on the minus strand). VCF-style: chr11-86952073-C-G. GRCh37 (hg19) VCF-style: chr11-86663115-C-G.
Other names: c.683G>C (NM_012193.3); short protein forms S228T.
Identifiers: ClinVar variation 2784467 (VCV002784467.4), dbSNP rs781634932, ClinGen allele CA382014884.